The following is an entry in ClinVar:

NM_014687.4(RUBCN):c.1825T>C (p.Ser609Pro)

Gene: RUBCN (rubicon autophagy regulator; minus strand). Cytogenetic location: 3q29.
Variant type: single nucleotide variant.
Coding change: c.1825T>C on transcript NM_014687.4 (MANE Select); coding-DNA position 1825, T replaced by C.
Protein change: p.Ser609Pro; replaces serine 609 with proline.
Molecular consequence: missense variant.
Genome position (GRCh38, 1-based): chr3:197,684,179, A>G on the plus strand (T>C on the coding strand, the complement: RUBCN is on the minus strand). VCF-style: chr3-197684179-A-G. GRCh37 (hg19) VCF-style: chr3-197411050-A-G.
Other names: c.1690T>C (NM_001145642.2); c.1690T>C, p.Ser564Pro (NM_001145642.5); c.1942T>C, p.Ser648Pro (NM_001346873.2); short protein forms S564P, S609P, S648P.
Identifiers: ClinVar variation 2444595 (VCV002444595.5), dbSNP rs774793498, ClinGen allele CA2786797.

ClinVar aggregate classification (germline): Conflicting classifications of pathogenicity. Review status: criteria provided, conflicting classifications (1 of 4 stars). 3 submissions from 3 submitters: Uncertain significance (2); Likely benign (1). Last evaluated 2025-08-25.

Allele frequency attached by ClinVar (database versions not stated): ExAC 0.00003; gnomAD exomes 0.00005; gnomAD 0.00007; TOPMed 0.00009.
gnomAD v4.1: 89 of 1,613,368 alleles (0.0055%); highest among the groups gnomAD compares: South Asian, 0.02%; no homozygotes.

Submissions (3):

Ambry Genetics
Classification: Uncertain significance. Last evaluated: 2025-08-25. Review status: criteria provided, single submitter. Criteria: Ambry Variant Classification Scheme 2023. Collection method: clinical testing. Allele origin: germline.

Blueprint Genetics
Classification: Likely benign. Last evaluated: 2024-08-20. Review status: criteria provided, single submitter. Criteria: ACMG Guidelines, 2015. Collection method: clinical testing. Allele origin: germline.

GeneDx
Classification: Uncertain significance. Last evaluated: 2022-09-16. Review status: criteria provided, single submitter. Criteria: GeneDx Variant Classification Process June 2021. Collection method: clinical testing. Allele origin: germline. Affected: yes.
Comment: In silico analysis supports that this missense variant does not alter protein structure/function; Has not been previously published as pathogenic or benign to our knowledge